The following is an entry in ClinVar:

NM_020732.3:c.6572dupG

Gene: ARID1B (AT-rich interaction domain 1B; plus strand).
Variant type: Duplication.
Other names: c.6572dupG (NM_020732.3).
Identifiers: ClinVar variation 4143671 (VCV004143671.1).

ClinVar aggregate classification (germline): Likely pathogenic (1 of 4 stars; one submission).

Conditions:
Inborn genetic diseases. Identifiers: MedGen C0950123, MeSH D030342.

Submission:

Ambry Genetics
Classification: Likely pathogenic for Inborn genetic diseases. Last evaluated: 2025-07-30. Review status: criteria provided, single submitter. Criteria: Ambry Variant Classification Scheme 2023. Collection method: clinical testing. Allele origin: germline.
Comment: The c.6572dupG (p.S2191Rfs*51) alteration, located in exon 20 (coding exon 20) of the ARID1B gene, consists of a duplication of G at position 6572, causing a translational frameshift with a predicted alternate stop codon after 51 amino acids. This alteration occurs at the 3' terminus of the ARID1B gene, is not expected to trigger nonsense-mediated mRNA decay, and only impacts the last 2.6% of the protein. However, premature stop codons are typically deleterious in nature and the impacted region is critical for protein function (Ambry internal data). This variant was not reported in population-based cohorts in the Genome Aggregation Database (gnomAD). Based on the available evidence, this alteration is classified as likely pathogenic.